The following is an entry in ClinVar:

ClinVar aggregate classification (germline): Conflicting classifications of pathogenicity. Review status: criteria provided, conflicting classifications (1 of 4 stars). 4 submissions from 4 submitters: Uncertain significance (3); Benign (1). Last evaluated 2025-09-09.

Conditions:
Hereditary cancer-predisposing syndrome. Also called: Neoplastic Syndromes, Hereditary; Hereditary neoplastic syndrome; Tumor predisposition; Hereditary Cancer Syndrome. Identifiers: Orphanet 140162, MedGen C0027672, MeSH D009386, MONDO:0015356.
Familial adenomatous polyposis 2. Also called: MYH-associated polyposis; FAP type 2; MUTYH-related attenuated familial adenomatous polyposis; Adenomas, multiple colorectal; ADENOMAS, MULTIPLE COLORECTAL, AUTOSOMAL RECESSIVE; MUTYH Polyposis. Identifiers: Orphanet 220460, Orphanet 247798, MedGen C3272841, MONDO:0012041, OMIM 608456.

Allele frequency attached by ClinVar (database versions not stated): TOPMed 0.00001.

Submissions (4):

Ambry Genetics
Classification: Benign for Hereditary cancer-predisposing syndrome. Last evaluated: 2025-09-09. Review status: criteria provided, single submitter. Criteria: Ambry Variant Classification Scheme 2023. Collection method: clinical testing. Allele origin: germline.

Labcorp Genetics (formerly Invitae), Labcorp
Classification: Uncertain significance for Familial adenomatous polyposis 2. Last evaluated: 2024-05-08. Review status: criteria provided, single submitter. Criteria: Invitae Variant Classification Sherloc (09022015). Collection method: clinical testing. Allele origin: germline.
Comment: This sequence change replaces glutamine, which is neutral and polar, with histidine, which is basic and polar, at codon 78 of the MUTYH protein (p.Gln78His). This variant is not present in population databases (gnomAD no frequency). This variant has not been reported in the literature in individuals affected with MUTYH-related conditions. ClinVar contains an entry for this variant (Variation ID: 861792). An algorithm developed to predict the effect of missense changes on protein structure and function (PolyPhen-2) suggests that this variant is likely to be tolerated. In summary, the available evidence is currently insufficient to determine the role of this variant in disease. Therefore, it has been classified as a Variant of Uncertain Significance.

Color Diagnostics, LLC DBA Color Health
Classification: Uncertain significance for Hereditary cancer-predisposing syndrome. Last evaluated: 2024-03-06. Review status: criteria provided, single submitter. Criteria: ACMG Guidelines, 2015. Collection method: clinical testing. Allele origin: germline.
Comment: This missense variant replaces glutamine with histidine at codon 78 of the MUTYH protein. Computational prediction suggests that this variant may not impact protein structure and function (internally defined REVEL score threshold <= 0.5, PMID: 27666373). To our knowledge, functional studies have not been reported for this variant. This variant has not been reported in individuals affected with MUTYH-related disorders in the literature. This variant has not been identified in the general population by the Genome Aggregation Database (gnomAD). The available evidence is insufficient to determine the role of this variant in disease conclusively. Therefore, this variant is classified as a Variant of Uncertain Significance.

All of Us Research Program, National Institutes of Health
Classification: Uncertain significance for Familial adenomatous polyposis 2. Last evaluated: 2023-05-04. Review status: criteria provided, single submitter. Criteria: ACMG Guidelines, 2015. Collection method: clinical testing. Allele origin: germline. Inheritance: Autosomal recessive inheritance. Observed: 1 variant allele, 1 heterozygote.
Comment: This missense variant replaces glutamine with histidine at codon 78 of the MUTYH protein. Computational prediction suggests that this variant may not impact protein structure and function (internally defined REVEL score threshold <= 0.5, PMID: 27666373). To our knowledge, functional studies have not been reported for this variant. This variant has not been reported in individuals affected with MUTYH-related disorders in the literature. This variant has not been identified in the general population by the Genome Aggregation Database (gnomAD). The available evidence is insufficient to determine the role of this variant in disease conclusively. Therefore, this variant is classified as a Variant of Uncertain Significance.

This study involves interpretation of variants in research participants for the purpose of population health screening. Participant phenotype was not available at the time of variant classification. Additional details can be found in publication PMID: 35346344, PMCID: PMC8962531

NM_001048174.2(MUTYH):c.150G>C (p.Gln50His)

Gene: MUTYH (mutY DNA glycosylase; minus strand). Cytogenetic location: 1p34.1.
Variant type: single nucleotide variant.
Coding change: c.150G>C on transcript NM_001048174.2 (MANE Select); coding-DNA position 150, G replaced by C.
Protein change: p.Gln50His; replaces glutamine 50 with histidine.
Molecular consequence: missense variant. On other transcripts: 5 prime UTR variant (1), non-coding transcript variant (2), intron variant (3).
Genome position (GRCh38, 1-based): chr1:45,333,527, C>G on the plus strand (G>C on the coding strand, the complement: MUTYH is on the minus strand). VCF-style: chr1-45333527-C-G. GRCh37 (hg19) VCF-style: chr1-45799199-C-G.
Other names: c.150G>C, p.Gln50His (NM_001048171.2, NM_001048173.2, NM_001293195.2); c.153G>C, p.Gln51His (NM_001048172.2); c.234G>C, p.Gln78His (NM_001128425.2); c.195G>C, p.Gln65His (NM_001293190.2); c.183G>C, p.Gln61His (NM_001293191.2); c.-122G>C (NM_001350650.2); c.225G>C, p.Gln75His (NM_012222.3); c.-92-30G>C (NM_001350651.2); and 1 more; short protein forms Q65H, Q51H, Q50H, Q61H, Q75H, Q78H.
Identifiers: ClinVar variation 861792 (VCV000861792.18), dbSNP rs1645377413, ClinGen allele CA340136582.